The following is an entry in ClinVar:

ClinVar aggregate classification (germline): Uncertain significance. Review status: criteria provided, multiple submitters, no conflicts (2 of 4 stars). 2 submissions from 2 submitters: Uncertain significance (2). Last evaluated 2026-06-25.

Conditions:
Inborn genetic diseases. Identifiers: MedGen C0950123, MeSH D030342.

gnomAD v4.1: 4 of 1,550,350 alleles (0.00026%); highest among the groups gnomAD compares: Non-Finnish European, 0.00035%; no homozygotes.

Submissions (2):

Women's Health and Genetics/Laboratory Corporation of America, LabCorp
Classification: Uncertain significance. Last evaluated: 2026-06-25. Review status: criteria provided, single submitter. Criteria: LabCorp Variant Classification Summary - May 2015. Collection method: clinical testing. Allele origin: germline.
Comment: Variant summary: VWF c.1786C>T (p.His596Tyr) results in a conservative amino acid change in the encoded protein sequence. Algorithms developed to predict the effect of missense changes on protein structure and function are either unavailable or do not agree on the potential impact of this missense change. The frequency data for this variant in gnomAD is considered unreliable, as metrics indicate poor data quality at this position. To our knowledge, no occurrence of c.1786C>T in individuals affected with VWF-related conditions and no experimental evidence demonstrating its impact on protein function have been reported. No submitters have cited clinical-significance assessments for this variant to ClinVar. Based on the evidence outlined above, the variant was classified as uncertain significance.

Ambry Genetics
Classification: Uncertain significance for Inborn genetic diseases. Last evaluated: 2025-08-24. Review status: criteria provided, single submitter. Criteria: Ambry Variant Classification Scheme 2023. Collection method: clinical testing. Allele origin: germline.

NM_000552.5(VWF):c.1786C>T (p.His596Tyr)

Gene: VWF (von Willebrand factor; minus strand). Cytogenetic location: 12p13.31.
Variant type: single nucleotide variant.
Coding change: c.1786C>T on transcript NM_000552.5 (MANE Select); coding-DNA position 1786, C replaced by T.
Protein change: p.His596Tyr; replaces histidine 596 with tyrosine.
Molecular consequence: missense variant.
Genome position (GRCh38, 1-based): chr12:6,057,016, G>A on the plus strand (C>T on the coding strand, the complement: VWF is on the minus strand). VCF-style: chr12-6057016-G-A. GRCh37 (hg19) VCF-style: chr12-6166182-G-A.
Other names: short protein forms H596Y.
Identifiers: ClinVar variation 4200038 (VCV004200038.2).